The following is an entry in ClinVar:

ClinVar aggregate classification (germline): Benign/Likely benign. Review status: criteria provided, multiple submitters, no conflicts (2 of 4 stars). 2 submissions from 2 submitters: Benign (1); Likely benign (1). Last evaluated 2024-07-24.

Conditions:
Familial cancer of breast. Also called: hereditary breast carcinoma; BREAST CANCER, FAMILIAL; Hereditary breast cancer. Identifiers: Orphanet 227535, MedGen C0346153, MONDO:0016419, OMIM 114480. Disease mechanism: loss of function.

Submissions (2):

Myriad Genetics, Inc.
Classification: Benign for Familial cancer of breast. Last evaluated: 2024-07-24. Review status: criteria provided, single submitter. Criteria: Myriad Autosomal Dominant, Autosomal Recessive and X-Linked Classification Criteria (2023). Collection method: clinical testing. Allele origin: unknown.
Comment: This variant is considered benign. This variant is a silent/synonymous amino acid change and it is not expected to impact splicing.

Labcorp Genetics (formerly Invitae), Labcorp
Classification: Likely benign for Familial cancer of breast. Last evaluated: 2018-12-14. Review status: criteria provided, single submitter. Criteria: Invitae Variant Classification Sherloc (09022015). Collection method: clinical testing. Allele origin: germline.

NM_000465.4(BARD1):c.1101A>G (p.Ser367=)

Gene: BARD1 (BRCA1 associated RING domain 1; minus strand). Cytogenetic location: 2q35.
Variant type: single nucleotide variant.
Coding change: c.1101A>G on transcript NM_000465.4 (MANE Select); coding-DNA position 1101, A replaced by G.
Protein change: p.Ser367=; no amino-acid change (serine 367 retained).
Molecular consequence: synonymous variant. On other transcripts: non-coding transcript variant (2), intron variant (3).
Genome position (GRCh38, 1-based): chr2:214,780,773, T>C on the plus strand (A>G on the coding strand, the complement: BARD1 is on the minus strand). VCF-style: chr2-214780773-T-C. GRCh37 (hg19) VCF-style: chr2-215645497-T-C.
Other names: c.1044A>G, p.Ser348= (NM_001282543.2); c.159-28218A>G (NM_001282548.2); c.215+16288A>G (NM_001282545.2); c.364+11524A>G (NM_001282549.2).
Identifiers: ClinVar variation 798973 (VCV000798973.11), dbSNP rs876659194, ClinGen allele CA431392141.